The following is an entry in ClinVar:

NM_005751.5(AKAP9):c.752_755dup (p.Arg252fs)

Genes: AKAP9 (A-kinase anchoring protein 9; plus strand), LOC129998789 (ATAC-STARR-seq lymphoblastoid silent region 18366; plus strand). Cytogenetic location: 7q21.2.
Variant type: Duplication.
Coding change: c.752_755dup on transcript NM_005751.5 (MANE Select); coding-DNA positions 752 to 755, 4 bases duplicated (TGAG; older notation c.752_755dupTGAG).
Protein change: p.Arg252fs; shifts the reading frame from arginine 252.
Molecular consequence: frameshift variant.
Genome position (GRCh38, 1-based): chr7:91,995,622-91,995,625, TGAG duplicated. VCF-style (leftmost placement, unchanged base first): chr7-91995621-C-CTGAG. GRCh37 (hg19) VCF-style: chr7-91624935-C-CTGAG.
Other names: c.752_755dup, p.Arg252fs (NM_147185.3); c.752_755dupTGAG (NM_005751.4); short protein forms R252fs.
Identifiers: ClinVar variation 1759332 (VCV001759332.2), dbSNP rs2484676113, ClinGen allele CA2580077494.

ClinVar aggregate classification (germline): Uncertain significance (1 of 4 stars; one submission).

Conditions:
Cardiovascular phenotype. Identifiers: MedGen CN230736.

Submission:

Ambry Genetics
Classification: Uncertain significance for Cardiovascular phenotype. Last evaluated: 2022-08-17. Review status: criteria provided, single submitter. Criteria: Ambry Variant Classification Scheme 2023. Collection method: clinical testing. Allele origin: germline.
Comment: The c.752_755dupTGAG variant, located in coding exon 7 of the AKAP9 gene, results from a duplication of TGAG at nucleotide position 752, causing a translational frameshift with a predicted alternate stop codon (p.R252Sfs*7). This alteration is expected to result in premature protein truncation or nonsense-mediated mRNA decay. However, loss of function of AKAP9 has not been established as a mechanism of disease. The evidence for this gene-disease relationship is limited; therefore, the clinical significance of this alteration is unclear.